The following is an entry in ClinVar:

NM_003560.4(PLA2G6):c.2287del (p.Gln763fs)

Gene: PLA2G6 (phospholipase A2 group VI; minus strand). Cytogenetic location: 22q13.1.
Variant type: Deletion.
Coding change: c.2287del on transcript NM_003560.4 (MANE Select); coding-DNA position 2287, one base deleted (C; older notation c.2287delC).
Protein change: p.Gln763fs; shifts the reading frame from glutamine 763.
Molecular consequence: frameshift variant.
Genome position (GRCh38, 1-based): chr22:38,112,295, G deleted on the plus strand (C on the coding strand, the reverse complement: PLA2G6 is on the minus strand); the first of 5 consecutive G bases (chr22:38,112,295-38,112,299); deleting any one gives the same sequence. VCF-style (leftmost placement, unchanged base first): chr22-38112294-TG-T. GRCh37 (hg19) VCF-style: chr22-38508301-TG-T.
Other names: c.2125del, p.Gln709fs (NM_001004426.3, NM_001199562.3, NM_001349865.2 and 1 more transcripts); c.2287del, p.Gln763fs (NM_001349864.2); c.1753del, p.Gln585fs (NM_001349867.2); c.1609del, p.Gln537fs (NM_001349868.2); c.1591del, p.Gln531fs (NM_001349869.2); c.2287del (NM_003560.2); short protein forms Q531fs, Q537fs, Q585fs, Q709fs, Q763fs.
Identifiers: ClinVar variation 3588032 (VCV003588032.4).

ClinVar aggregate classification (germline): Conflicting classifications of pathogenicity. Review status: criteria provided, conflicting classifications (1 of 4 stars). 3 submissions from 3 submitters: Pathogenic (1); Likely pathogenic (1); Uncertain significance (1). Last evaluated 2025-06-23.

Conditions:
Autosomal recessive Parkinson disease 14. Also called: PARKINSON DISEASE 14; DYSTONIA-PARKINSONISM, ADULT-ONSET. Identifiers: Orphanet 199351, MedGen C2751842, MONDO:0013060, OMIM 612953.
Infantile neuroaxonal dystrophy (NBIA2A). Also called: NEURODEGENERATION WITH BRAIN IRON ACCUMULATION 2A; SEITELBERGER DISEASE; Infantile neuroaxonal dystrophy 1. Identifiers: Orphanet 35069, MedGen C0270724, MONDO:0024457, OMIM 256600.
Neurodegeneration with brain iron accumulation 2B. Also called: NEUROAXONAL DYSTROPHY, ATYPICAL; NEURODEGENERATION WITH BRAIN IRON ACCUMULATION, PLA2G6-RELATED; aNAD; atypical Neuroaxonal Dystrophy (aNAD). Identifiers: Orphanet 35069, MedGen C1857747, MONDO:0012444, OMIM 610217.

Submissions (3):

GeneDx
Classification: Uncertain significance. Last evaluated: 2025-06-23. Review status: criteria provided, single submitter. Criteria: GeneDx Variant Classification Process June 2021. Collection method: clinical testing. Allele origin: germline. Affected: yes.
Comment: Not observed at significant frequency in large population cohorts (gnomAD); Frameshift variant predicted to result in abnormal protein length as the last 44 amino acid(s) are replaced with 54 different amino acid(s); Has not been previously published as pathogenic or benign to our knowledge

Labcorp Genetics (formerly Invitae), Labcorp
Classification: Pathogenic for Infantile neuroaxonal dystrophy. Last evaluated: 2024-02-01. Review status: criteria provided, single submitter. Criteria: Invitae Variant Classification Sherloc (09022015). Collection method: clinical testing. Allele origin: germline.
Comment: This sequence change results in a frameshift in the PLA2G6 gene (p.Gln763Serfs*55). While this is not anticipated to result in nonsense mediated decay, it is expected to disrupt the last 44 amino acid(s) of the PLA2G6 protein and extend the protein by 10 additional amino acid residues. This variant is not present in population databases (gnomAD no frequency). This variant has not been reported in the literature in individuals affected with PLA2G6-related conditions. This variant disrupts a region of the PLA2G6 protein in which other variant(s) (p.Gln797*) have been determined to be pathogenic (PMID: 22934738, 27516098; Invitae). This suggests that this is a clinically significant region of the protein, and that variants that disrupt it are likely to be disease-causing. For these reasons, this variant has been classified as Pathogenic.

Fulgent Genetics
Classification: Likely pathogenic for Infantile neuroaxonal dystrophy; Neurodegeneration with brain iron accumulation 2B; Autosomal recessive Parkinson disease 14. Last evaluated: 2024-01-26. Review status: criteria provided, single submitter. Criteria: ACMG Guidelines, 2015. Collection method: clinical testing. Allele origin: germline.

Literature cited by the submitters: PubMed 22934738 (cited by Labcorp Genetics (formerly Invitae), Labcorp); PubMed 27516098 (cited by Labcorp Genetics (formerly Invitae), Labcorp).